The following is an entry in ClinVar:

ClinVar aggregate classification (germline): Uncertain significance. Review status: criteria provided, multiple submitters, no conflicts (2 of 4 stars). 2 submissions from 2 submitters: Uncertain significance (2). Last evaluated 2022-10-05.

gnomAD v4.1: 19 of 1,613,084 alleles (0.0012%); no homozygotes.

Submissions (2):

Labcorp Genetics (formerly Invitae), Labcorp
Classification: Uncertain significance. Last evaluated: 2022-10-05. Review status: criteria provided, single submitter. Criteria: Invitae Variant Classification Sherloc (09022015). Collection method: clinical testing. Allele origin: germline.
Comment: This sequence change replaces arginine, which is basic and polar, with proline, which is neutral and non-polar, at codon 3253 of the PCNT protein (p.Arg3253Pro). In summary, the available evidence is currently insufficient to determine the role of this variant in disease. Therefore, it has been classified as a Variant of Uncertain Significance. Algorithms developed to predict the effect of missense changes on protein structure and function are either unavailable or do not agree on the potential impact of this missense change (SIFT: "Deleterious"; PolyPhen-2: "Possibly Damaging"; Align-GVGD: "Class C0"). This variant has not been reported in the literature in individuals affected with PCNT-related conditions. This variant is present in population databases (rs559836256, gnomAD 0.02%).

Blueprint Genetics
Classification: Uncertain significance. Last evaluated: 2018-04-04. Review status: criteria provided, single submitter. Criteria: ACMG Guidelines, 2015. Collection method: clinical testing. Allele origin: germline.

NM_006031.6(PCNT):c.9758G>C (p.Arg3253Pro)

Gene: PCNT (pericentrin; plus strand). Cytogenetic location: 21q22.3.
Variant type: single nucleotide variant.
Coding change: c.9758G>C on transcript NM_006031.6 (MANE Select); coding-DNA position 9758, G replaced by C.
Protein change: p.Arg3253Pro; replaces arginine 3253 with proline.
Molecular consequence: missense variant.
Genome position (GRCh38, 1-based): chr21:46,443,867, G>C. VCF-style: chr21-46443867-G-C. GRCh37 (hg19) VCF-style: chr21-47863780-G-C.
Other names: c.9167G>C, p.Arg3056Pro (NM_001315529.2); short protein forms R3056P, R3253P.
Identifiers: ClinVar variation 1412771 (VCV001412771.7), dbSNP rs559836256, ClinGen allele CA10081471.